The following is an entry in ClinVar:

ClinVar aggregate classification (germline): Benign. Review status: criteria provided, multiple submitters, no conflicts (2 of 4 stars). 10 submissions from 6 submitters: Benign (10). Last evaluated 2024-07-15.

Conditions:
Progressive external ophthalmoplegia with mitochondrial DNA deletions, autosomal recessive 1 (PEOB1). Also called: Progressive external ophthalmoplegia, autosomal recessive 1; Autosomal Recessive Progressive External Ophthalmoplegia (arPEO). Identifiers: Orphanet 254886, MedGen C4225153, MONDO:0009783, OMIM 258450.
Sensory ataxic neuropathy, dysarthria, and ophthalmoparesis (SANDO). Also called: Ataxia Neuropathy Spectrum (ANS); Sensory ataxic neuropathy-dysarthria-ophthalmoparesis syndrome; SENSORY ATAXIC NEUROPATHY WITH MITOCHONDRIAL DNA DELETIONS, AUTOSOMAL RECESSIVE; Epilepsy, progressive myoclonic, type 5. Identifiers: Orphanet 70595, MedGen C1843851, MONDO:0011835, OMIM 607459.
Mitochondrial DNA depletion syndrome 4b. Also called: Mitochondrial Neurogastrointestinal Encephalopathy Disease, POLG-Related; MNGIE, POLG-RELATED. Identifiers: Orphanet 298, MedGen C3150914, MONDO:0013350, OMIM 613662.
Progressive sclerosing poliodystrophy (MTDPS4A). Also called: Alpers-Huttenlocher Syndrome (AHS); Alpers Syndrome; ALPERS PROGRESSIVE INFANTILE POLIODYSTROPHY; Mitochondrial DNA depletion syndrome 4A (Alpers type); ALPERS DIFFUSE DEGENERATION OF CEREBRAL GRAY MATTER WITH HEPATIC CIRRHOSIS; Alpers-Huttenlocher Syndrome. Identifiers: Orphanet 726, MedGen C0205710, MONDO:0008758, OMIM 203700.
Progressive external ophthalmoplegia with mitochondrial DNA deletions, autosomal dominant 1 (PEOA1). Also called: Autosomal Dominant Progressive External Ophthalmoplegia (adPEO); PROGRESSIVE EXTERNAL OPHTHALMOPLEGIA, AUTOSOMAL DOMINANT 1. Identifiers: MedGen C1834846, MONDO:0024528, OMIM 157640.

Allele frequency attached by ClinVar (database versions not stated): 1000 Genomes Project 30x 0.28716; 1000 Genomes Project 0.29113; TOPMed 0.30720; ESP Exome Variant Server 0.31212; gnomAD 0.31986 and 0.32332; ExAC 0.37190; gnomAD exomes 0.37397.
gnomAD v4.1: 609,206 of 1,613,776 alleles (38%); highest among the groups gnomAD compares: South Asian, 40%; 118,208 homozygotes.

Submissions (10):

Unidad de Genómica Garrahan, Hospital de Pediatría Garrahan
Classification: Benign. Last evaluated: 2024-07-15. Review status: criteria provided, single submitter. Criteria: ACMG Guidelines, 2015. Collection method: clinical testing. Allele origin: germline. Affected: no. Observed: 47 variant alleles.
Comment: This variant is classified as Benign based on local population frequency. This variant was detected in 51% of patients studied in a panel designed for Epileptic and Developmental Encephalopathy and Progressive Myoclonus Epilepsy. Number of patients: 47. Only high quality variants are reported.

Genome-Nilou Lab
Classification: Benign for Progressive sclerosing poliodystrophy. Last evaluated: 2021-10-25. Review status: criteria provided, single submitter. Criteria: ACMG Guidelines, 2015. Collection method: clinical testing. Allele origin: germline. Affected: no.

Genome-Nilou Lab
Classification: Benign for Mitochondrial DNA depletion syndrome 4b. Last evaluated: 2021-10-25. Review status: criteria provided, single submitter. Criteria: ACMG Guidelines, 2015. Collection method: clinical testing. Allele origin: germline. Affected: no.

Genome-Nilou Lab
Classification: Benign for Sensory ataxic neuropathy, dysarthria, and ophthalmoparesis. Last evaluated: 2021-10-25. Review status: criteria provided, single submitter. Criteria: ACMG Guidelines, 2015. Collection method: clinical testing. Allele origin: germline. Affected: no.

Genome-Nilou Lab
Classification: Benign for Progressive external ophthalmoplegia with mitochondrial DNA deletions, autosomal dominant 1. Last evaluated: 2021-10-25. Review status: criteria provided, single submitter. Criteria: ACMG Guidelines, 2015. Collection method: clinical testing. Allele origin: germline. Affected: no.

Genome-Nilou Lab
Classification: Benign for Progressive external ophthalmoplegia with mitochondrial DNA deletions, autosomal recessive 1. Last evaluated: 2021-10-25. Review status: criteria provided, single submitter. Criteria: ACMG Guidelines, 2015. Collection method: clinical testing. Allele origin: germline. Affected: no.

Mendelics
Classification: Benign for Progressive sclerosing poliodystrophy. Last evaluated: 2019-05-28. Review status: criteria provided, single submitter. Criteria: Mendelics Assertion Criteria 2017. Collection method: clinical testing. Allele origin: unknown.

Wong Mito Lab, Molecular and Human Genetics, Baylor College of Medicine
Classification: Benign for Progressive sclerosing poliodystrophy. Last evaluated: 2018-10-01. Review status: criteria provided, single submitter. Criteria: ACMG Guidelines, 2015. Collection method: clinical testing. Allele origin: germline.
Comment: The NM_002693.2:c.3105-36A>G (NP_002684.1:p.=) [GRCH38: NC_000015.10:g.89319135T>C] variant in POLG gene is interpretated to be a Benign based on ACMG guidelines (PMID: 25741868). This variant meets the following evidence codes reported in the ACMG-guideline. BA1:Minor allele frequency is too high for the Mitochondrial DNA depletion syndrome 4A (Alpers type). BS1:The minor allele frequency of this allele is high for Mitochondrial DNA depletion syndrome 4A (Alpers type). BS2:Observation of the variant in controls is inconsistent with penetrance of Mitochondrial DNA depletion syndrome 4A (Alpers type). BP4:Computational evidence/predictors indicate no impact on the POLG structure, function, or protein-protein interaction. Based on the evidence criteria codes applied, the variant is suggested to be Benign.

GeneDx
Classification: Benign. Last evaluated: 2015-03-03. Review status: criteria provided, single submitter. Criteria: GeneDx Variant Classification Process June 2021. Collection method: clinical testing. Allele origin: germline. Affected: yes.

Breakthrough Genomics
Classification: Benign. Review status: criteria provided, single submitter. Criteria: ACMG Guidelines, 2015. Collection method: not provided. Allele origin: germline. Inheritance: Autosomal recessive inheritance. Affected: yes.

NM_002693.3(POLG):c.3105-36A>G

Gene: POLG (DNA polymerase gamma, catalytic subunit; minus strand). Cytogenetic location: 15q26.1.
Variant type: single nucleotide variant.
Coding change: c.3105-36A>G on transcript NM_002693.3 (MANE Select); 36 bases into the intron before coding-DNA position 3105, A replaced by G.
Molecular consequence: intron variant.
Genome position (GRCh38, 1-based): chr15:89,319,135, T>C on the plus strand (A>G on the coding strand, the complement: POLG is on the minus strand). VCF-style: chr15-89319135-T-C. GRCh37 (hg19) VCF-style: chr15-89862366-T-C.
Other names: c.3105-36A>G (NM_001126131.2).
Identifiers: ClinVar variation 619492 (VCV000619492.9), dbSNP rs2246900, ClinGen allele CA7724240.